The following is an entry in ClinVar:

ClinVar aggregate classification (germline): Uncertain significance. Review status: criteria provided, multiple submitters, no conflicts (2 of 4 stars). 2 submissions from 2 submitters: Uncertain significance (2). Last evaluated 2025-02-13.

Allele frequency attached by ClinVar (database versions not stated): gnomAD exomes below 0.00001; ExAC 0.00001; gnomAD 0.00001; TOPMed 0.00002.
gnomAD v4.1: 2 of 1,613,878 alleles (0.00012%); highest among the groups gnomAD compares: African/African-American, 0.0027%; no homozygotes.

Submissions (2):

Ambry Genetics
Classification: Uncertain significance. Last evaluated: 2025-02-13. Review status: criteria provided, single submitter. Criteria: Ambry Variant Classification Scheme 2023. Collection method: clinical testing. Allele origin: germline.

Labcorp Genetics (formerly Invitae), Labcorp
Classification: Uncertain significance. Last evaluated: 2025-02-03. Review status: criteria provided, single submitter. Criteria: Invitae Variant Classification Sherloc (09022015). Collection method: clinical testing. Allele origin: germline.
Comment: This sequence change replaces proline, which is neutral and non-polar, with threonine, which is neutral and polar, at codon 545 of the POC5 protein (p.Pro545Thr). The frequency data for this variant in the population databases is considered unreliable, as metrics indicate poor data quality at this position in the gnomAD database. This variant has not been reported in the literature in individuals affected with POC5-related conditions. ClinVar contains an entry for this variant (Variation ID: 1986854). An algorithm developed to predict the effect of missense changes on protein structure and function (PolyPhen-2) suggests that this variant is likely to be disruptive. In summary, the available evidence is currently insufficient to determine the role of this variant in disease. Therefore, it has been classified as a Variant of Uncertain Significance.

NM_001099271.2(POC5):c.1633C>A (p.Pro545Thr)

Gene: POC5 (POC5 centriolar protein; minus strand). Cytogenetic location: 5q13.3.
Variant type: single nucleotide variant.
Coding change: c.1633C>A on transcript NM_001099271.2 (MANE Select); coding-DNA position 1633, C replaced by A.
Protein change: p.Pro545Thr; replaces proline 545 with threonine.
Molecular consequence: missense variant.
Genome position (GRCh38, 1-based): chr5:75,674,530, G>T on the plus strand (C>A on the coding strand, the complement: POC5 is on the minus strand). VCF-style: chr5-75674530-G-T. GRCh37 (hg19) VCF-style: chr5-74970355-G-T.
Other names: c.1633C>A (NM_001099271.1); c.1558C>A, p.Pro520Thr (NM_152408.3); short protein forms P520T, P545T.
Identifiers: ClinVar variation 1986854 (VCV001986854.5), dbSNP rs768537209, ClinGen allele CA3310268.